The following is an entry in ClinVar:

ClinVar aggregate classification (germline): Uncertain significance (1 of 4 stars; one submission).

gnomAD v4.1: 7 of 1,613,974 alleles (0.00043%); highest among the groups gnomAD compares: South Asian, 0.0066%; no homozygotes.

Submission:

Women's Health and Genetics/Laboratory Corporation of America, LabCorp
Classification: Uncertain significance. Last evaluated: 2026-05-29. Review status: criteria provided, single submitter. Criteria: LabCorp Variant Classification Summary - May 2015. Collection method: clinical testing. Allele origin: germline.
Comment: Variant summary: FAT2 c.*12C>T is located in the untranslated mRNA region downstream of the termination codon. The variant allele was found at a frequency of 8e-06 in 249452 control chromosomes. The available data on variant occurrences in the general population are insufficient to allow any conclusion about variant significance. To our knowledge, no occurrence of c.*12C>T in individuals affected with FAT2-related conditions and no experimental evidence demonstrating its impact on protein function have been reported. No submitters have cited clinical-significance assessments for this variant to ClinVar. Based on the evidence outlined above, the variant was classified as uncertain significance.

NM_001447.3(FAT2):c.*12C>T

Genes: FAT2 (FAT atypical cadherin 2; minus strand), SLC36A1 (solute carrier family 36 member 1; plus strand). Cytogenetic location: 5q33.1.
Variant type: single nucleotide variant.
Coding change: c.*12C>T on transcript NM_001447.3 (MANE Select); 12 bases downstream of the stop codon, C replaced by T.
Molecular consequence: 3 prime UTR variant.
Genome position (GRCh38, 1-based): chr5:151,505,553, G>A on the plus strand (C>T on the coding strand, the complement: FAT2 is on the minus strand). VCF-style: chr5-151505553-G-A. GRCh37 (hg19) VCF-style: chr5-150885114-G-A.
Identifiers: ClinVar variation 4853094 (VCV004853094.1).